The following is an entry in ClinVar:

NM_006642.5(SDCCAG8):c.862C>T (p.Gln288Ter)

Gene: SDCCAG8 (SHH signaling and ciliogenesis regulator SDCCAG8; plus strand). Cytogenetic location: 1q43.
Variant type: single nucleotide variant.
Coding change: c.862C>T on transcript NM_006642.5 (MANE Select); coding-DNA position 862, C replaced by T.
Protein change: p.Gln288Ter; replaces glutamine 288 with a stop codon.
Molecular consequence: nonsense. On other transcripts: 5 prime UTR variant (3).
Genome position (GRCh38, 1-based): chr1:243,308,110, C>T. VCF-style: chr1-243308110-C-T. GRCh37 (hg19) VCF-style: chr1-243471412-C-T.
Other names: c.-42C>T (NM_001350246.2, NM_001350247.2, NM_001350251.2); c.958C>T, p.Gln320Ter (NM_001350248.2); c.568C>T, p.Gln190Ter (NM_001350249.2); short protein forms Q190*, Q288*, Q320*.
Identifiers: ClinVar variation 2633268 (VCV002633268.5), dbSNP rs766435425, ClinGen allele CA345479223.

ClinVar aggregate classification (germline): Pathogenic. Review status: criteria provided, single submitter (1 of 4 stars). 2 submissions from 2 submitters: Pathogenic (1). 1 of the submissions does not count toward it. Last evaluated 2023-09-28.

Conditions:
Senior-Loken syndrome 7 (SLSN7). Identifiers: Orphanet 3156, MedGen C3150877, MONDO:0013326, OMIM 613615.
Bardet-Biedl syndrome 16 (BBS16). Identifiers: Orphanet 110, MedGen C3889474, MONDO:0014444, OMIM 615993.
SDCCAG8-related disorder. Also called: SDCCAG8-Related Disorders; SDCCAG8-related condition.

Submissions (2):

Labcorp Genetics (formerly Invitae), Labcorp
Classification: Pathogenic for Bardet-Biedl syndrome 16; Senior-Loken syndrome 7. Last evaluated: 2023-09-28. Review status: criteria provided, single submitter. Criteria: Invitae Variant Classification Sherloc (09022015). Collection method: clinical testing. Allele origin: germline.
Comment: For these reasons, this variant has been classified as Pathogenic. This variant has not been reported in the literature in individuals affected with SDCCAG8-related conditions. This variant is not present in population databases (gnomAD no frequency). This sequence change creates a premature translational stop signal (p.Gln288*) in the SDCCAG8 gene. It is expected to result in an absent or disrupted protein product. Loss-of-function variants in SDCCAG8 are known to be pathogenic (PMID: 20835237, 22190896).

PreventionGenetics, part of Exact Sciences
Classification: Likely pathogenic for SDCCAG8-related condition. Last evaluated: 2024-05-08. Review status: no assertion criteria provided. Collection method: clinical testing. Allele origin: germline. Not counted in ClinVar's aggregate classification.
Comment: The SDCCAG8 c.862C>T variant is predicted to result in premature protein termination (p.Gln288*). To our knowledge, this variant has not been reported in the literature or in a large population database, indicating this variant is rare. Nonsense variants in SDCCAG8 are expected to be pathogenic. This variant is interpreted as likely pathogenic.

Literature cited by the submitters: PubMed 20835237 (cited by Labcorp Genetics (formerly Invitae), Labcorp); PubMed 22190896 (cited by Labcorp Genetics (formerly Invitae), Labcorp).